The following is an entry in ClinVar:

NM_000782.5(CYP24A1):c.904C>T (p.Leu302Phe)

Gene: CYP24A1 (cytochrome P450 family 24 subfamily A member 1; minus strand). Cytogenetic location: 20q13.2.
Variant type: single nucleotide variant.
Coding change: c.904C>T on transcript NM_000782.5 (MANE Select); coding-DNA position 904, C replaced by T.
Protein change: p.Leu302Phe; replaces leucine 302 with phenylalanine.
Molecular consequence: missense variant.
Genome position (GRCh38, 1-based): chr20:54,162,803, G>A on the plus strand (C>T on the coding strand, the complement: CYP24A1 is on the minus strand). VCF-style: chr20-54162803-G-A. GRCh37 (hg19) VCF-style: chr20-52779342-G-A.
Other names: c.904C>T, p.Leu302Phe (NM_001128915.2); short protein forms L302F.
Identifiers: ClinVar variation 1015029 (VCV001015029.9), dbSNP rs1238041646, ClinGen allele CA409391702.

ClinVar aggregate classification (germline): Uncertain significance. Review status: criteria provided, multiple submitters, no conflicts (2 of 4 stars). 2 submissions from 2 submitters: Uncertain significance (2). Last evaluated 2022-01-19.

Conditions:
Hypercalcemia, infantile, 1 (HCINF1). Identifiers: Orphanet 300547, MedGen CN031131, MONDO:0020739, OMIM 143880.

Allele frequency attached by ClinVar (database versions not stated): gnomAD 0.00001; gnomAD exomes 0.00002; TOPMed 0.00003.
gnomAD v4.1: 21 of 1,552,568 alleles (0.0014%); highest among the groups gnomAD compares: Non-Finnish European, 0.0018%; no homozygotes.

Submissions (2):

Fulgent Genetics
Classification: Uncertain significance for Hypercalcemia, infantile, 1. Last evaluated: 2022-01-19. Review status: criteria provided, single submitter. Criteria: ACMG Guidelines, 2015. Collection method: clinical testing. Allele origin: unknown.

Labcorp Genetics (formerly Invitae), Labcorp
Classification: Uncertain significance. Last evaluated: 2020-07-10. Review status: criteria provided, single submitter. Criteria: Invitae Variant Classification Sherloc (09022015). Collection method: clinical testing. Allele origin: germline.
Comment: In summary, the available evidence is currently insufficient to determine the role of this variant in disease. Therefore, it has been classified as a Variant of Uncertain Significance. Algorithms developed to predict the effect of missense changes on protein structure and function are either unavailable or do not agree on the potential impact of this missense change (SIFT: "Deleterious"; PolyPhen-2: "Possibly Damaging"; Align-GVGD: "Class C0"). This variant has not been reported in the literature in individuals with CYP24A1-related conditions. This variant is not present in population databases (ExAC no frequency). This sequence change replaces leucine with phenylalanine at codon 302 of the CYP24A1 protein (p.Leu302Phe). The leucine residue is highly conserved and there is a small physicochemical difference between leucine and phenylalanine.